The following is an entry in ClinVar:

NM_013236.4(ATXN10):c.162A>G (p.Leu54=)

Gene: ATXN10 (ataxin 10; plus strand). Cytogenetic location: 22q13.31.
Variant type: single nucleotide variant.
Coding change: c.162A>G on transcript NM_013236.4 (MANE Select); coding-DNA position 162, A replaced by G.
Protein change: p.Leu54=; no amino-acid change (leucine 54 retained).
Molecular consequence: synonymous variant. On other transcripts: intron variant (1).
Genome position (GRCh38, 1-based): chr22:45,689,757, A>G. VCF-style: chr22-45689757-A-G. GRCh37 (hg19) VCF-style: chr22-46085637-A-G.
Other names: c.117-3239A>G (NM_001167621.2).
Identifiers: ClinVar variation 3044990 (VCV003044990.2), dbSNP rs140005836, ClinGen allele CA10287463.

ClinVar aggregate classification (germline): Likely benign (0 of 4 stars; one submission).

Conditions:
ATXN10-related disorder. Also called: ATXN10-related condition.

Allele frequency attached by ClinVar (database versions not stated): ExAC 0.00013; ESP Exome Variant Server 0.00031; gnomAD 0.00046; TOPMed 0.00047; 1000 Genomes Project 0.00080; 1000 Genomes Project 30x 0.00109.
gnomAD v4.1: 148 of 1,614,212 alleles (0.0092%); highest among the groups gnomAD compares: African/African-American, 0.15%; no homozygotes.

Submission:

PreventionGenetics, part of Exact Sciences
Classification: Likely benign for ATXN10-related condition. Last evaluated: 2019-06-06. Review status: no assertion criteria provided. Collection method: clinical testing. Allele origin: germline.
Comment: This variant is classified as likely benign based on ACMG/AMP sequence variant interpretation guidelines (Richards et al. 2015 PMID: 25741868, with internal and published modifications).